The following is an entry in ClinVar:

ClinVar aggregate classification (germline): Uncertain significance (1 of 4 stars; one submission).

Conditions:
MAP1A-related disorder. Also called: MAP1A-related condition.

Submission:

PreventionGenetics, part of Exact Sciences
Classification: Uncertain significance for MAP1A-related condition. Last evaluated: 2023-06-07. Review status: criteria provided, single submitter. Criteria: ACMG Guidelines, 2015. Collection method: clinical testing. Allele origin: germline.
Comment: The MAP1A c.6656_6667del12 variant is predicted to result in an in-frame deletion (p.Glu2219_Lys2222del). To our knowledge, this variant has not been reported in the literature or in a large population database, indicating this variant is rare. At this time, the clinical significance of this variant is uncertain due to the absence of conclusive functional and genetic evidence.

NM_002373.6(MAP1A):c.6656_6667del (p.Glu2219_Lys2222del)

Gene: MAP1A (microtubule associated protein 1A; plus strand). Cytogenetic location: 15q15.3.
Variant type: Deletion.
Coding change: c.6656_6667del on transcript NM_002373.6 (MANE Select); coding-DNA positions 6656 to 6667, 12 bases deleted (AAGTGACCAAGG).
Protein change: p.Glu2219_Lys2222del.
Molecular consequence: inframe deletion.
Genome position (GRCh38, 1-based): chr15:43,528,129-43,528,140, AAGTGACCAAGG deleted; deleting any 12 consecutive bases within chr15:43,528,127-43,528,140 gives the same sequence; the c. name uses the placement nearest the transcript's 3' end. VCF-style (leftmost placement, unchanged base first): chr15-43528126-TGGAAGTGACCAA-T. GRCh37 (hg19) VCF-style: chr15-43820324-TGGAAGTGACCAA-T.
Other names: c.7370_7381del, p.Glu2457_Lys2460del (NM_001411089.1).
Identifiers: ClinVar variation 2632410 (VCV002632410.1), dbSNP rs2504713040, ClinGen allele CA2695197273.